The following is an entry in ClinVar:

ClinVar aggregate classification (germline): Benign/Likely benign. Review status: criteria provided, multiple submitters, no conflicts (2 of 4 stars). 4 submissions from 4 submitters: Benign (1); Likely benign (3). Last evaluated 2024-08-20.

Conditions:
Hereditary cancer-predisposing syndrome. Also called: Hereditary neoplastic syndrome; Tumor predisposition; Neoplastic Syndromes, Hereditary; Hereditary Cancer Syndrome. Identifiers: Orphanet 140162, MedGen C0027672, MeSH D009386, MONDO:0015356.
Familial cancer of breast. Also called: Hereditary breast cancer; BREAST CANCER, FAMILIAL; hereditary breast carcinoma. Identifiers: Orphanet 227535, MedGen C0346153, MONDO:0016419, OMIM 114480. Disease mechanism: loss of function.
Ataxia-telangiectasia syndrome (AT). Also called: LOUIS-BAR SYNDROME; ATAXIA-TELANGIECTASIA, COMPLEMENTATION GROUP A; ATAXIA-TELANGIECTASIA, FRESNO VARIANT; Ataxia-telangiectasia; Ataxia telangiectasia (A-T); Cerebello-oculocutaneous telangiectasia. Identifiers: Orphanet 100, MedGen C0004135, MONDO:0008840, OMIM 208900.

gnomAD v4.1: 1 of 1,613,904 alleles (0.000062%); highest among the groups gnomAD compares: Non-Finnish European, 0.000085%; no homozygotes.

Submissions (4):

Labcorp Genetics (formerly Invitae), Labcorp
Classification: Likely benign for Ataxia-telangiectasia syndrome. Last evaluated: 2024-08-20. Review status: criteria provided, single submitter. Criteria: Invitae Variant Classification Sherloc (09022015). Collection method: clinical testing. Allele origin: germline.

Myriad Genetics, Inc.
Classification: Benign for Familial cancer of breast. Last evaluated: 2024-05-21. Review status: criteria provided, single submitter. Criteria: Myriad Autosomal Dominant, Autosomal Recessive and X-Linked Classification Criteria (2023). Collection method: clinical testing. Allele origin: unknown.
Comment: This variant is considered benign. This variant is a silent/synonymous amino acid change and it is not expected to impact splicing.

Ambry Genetics
Classification: Likely benign for Hereditary cancer-predisposing syndrome. Last evaluated: 2022-01-14. Review status: criteria provided, single submitter. Criteria: Ambry Variant Classification Scheme 2023. Collection method: clinical testing. Allele origin: germline.

GeneDx
Classification: Likely benign. Last evaluated: 2016-06-03. Review status: criteria provided, single submitter. Criteria: GeneDx Variant Classification (06012015). Collection method: clinical testing. Allele origin: germline. Affected: yes.
Comment: This variant is considered likely benign or benign based on one or more of the following criteria: it is a conservative change, it occurs at a poorly conserved position in the protein, it is predicted to be benign by multiple in silico algorithms, and/or has population frequency not consistent with disease.

NM_000051.4(ATM):c.4833T>A (p.Leu1611=)

Gene: ATM (ATM serine/threonine kinase; plus strand). Cytogenetic location: 11q22.3.
Variant type: single nucleotide variant.
Coding change: c.4833T>A on transcript NM_000051.4 (MANE Select); coding-DNA position 4833, T replaced by A.
Protein change: p.Leu1611=; no amino-acid change (leucine 1611 retained).
Molecular consequence: synonymous variant.
Genome position (GRCh38, 1-based): chr11:108,294,983, T>A. VCF-style: chr11-108294983-T-A. GRCh37 (hg19) VCF-style: chr11-108165710-T-A.
Other names: c.4833T>A, p.Leu1611= (NM_001351834.2).
Identifiers: ClinVar variation 382329 (VCV000382329.12), dbSNP rs769025179, ClinGen allele CA16606086.
Genomic context (GRCh38, chr11:108,294,983, plus strand): 5'-TTAGGAAATTAACCATTTTCTCTCAGTAAGTGTTTATGATGCACTTCCATTGACAAGACT[T>A]GAAGGACTAAAGGATCTTCGAAGACAACTGGAACTACATAAAGATCAGATGGTGGACATT-3'
Protein context (NP_000042.3, residues 1601-1621): SVYDALPLTR[Leu1611=]EGLKDLRRQL